The following is an entry in ClinVar:

ClinVar aggregate classification (germline): Likely benign. Review status: criteria provided, multiple submitters, no conflicts (2 of 4 stars). 4 submissions from 4 submitters: Likely benign (4). Last evaluated 2025-09-25.

Conditions:
Hereditary cancer-predisposing syndrome. Also called: Neoplastic Syndromes, Hereditary; Hereditary Cancer Syndrome; Tumor predisposition; Hereditary neoplastic syndrome. Identifiers: Orphanet 140162, MedGen C0027672, MeSH D009386, MONDO:0015356.
Hereditary breast ovarian cancer syndrome. Also called: BRCA1- and BRCA2-Associated Hereditary Breast and Ovarian Cancer; Hereditary breast and ovarian cancer syndrome (HBOC); Hereditary breast and ovarian cancer; Breast and ovarian cancer; Hereditary breast and/or ovarian cancer syndrome; Hereditary breast and ovarian cancer syndrome. Identifiers: Orphanet 145, MedGen C0677776, MeSH D061325, MONDO:0003582. Disease mechanism: loss of function.

Allele frequency attached by ClinVar (database versions not stated): gnomAD 0.00001; gnomAD exomes 0.00001.
gnomAD v4.1: 12 of 1,599,340 alleles (0.00075%); highest among the groups gnomAD compares: Admixed American, 0.0017%; no homozygotes.

Submissions (4):

Labcorp Genetics (formerly Invitae), Labcorp
Classification: Likely benign for Hereditary breast ovarian cancer syndrome. Last evaluated: 2025-09-25. Review status: criteria provided, single submitter. Criteria: Invitae Variant Classification Sherloc (09022015). Collection method: clinical testing. Allele origin: germline.

Women's Health and Genetics/Laboratory Corporation of America, LabCorp
Classification: Likely benign. Last evaluated: 2024-12-11. Review status: criteria provided, single submitter. Criteria: LabCorp Variant Classification Summary - May 2015. Collection method: clinical testing. Allele origin: germline.

Color Diagnostics, LLC DBA Color Health
Classification: Likely benign for Hereditary cancer-predisposing syndrome. Last evaluated: 2017-12-21. Review status: criteria provided, single submitter. Criteria: ACMG Guidelines, 2015. Collection method: clinical testing. Allele origin: germline.

GeneDx
Classification: Likely benign. Last evaluated: 2016-11-29. Review status: criteria provided, single submitter. Criteria: GeneDx Variant Classification (06012015). Collection method: clinical testing. Allele origin: germline. Affected: yes.
Comment: This variant is considered likely benign or benign based on one or more of the following criteria: it is a conservative change, it occurs at a poorly conserved position in the protein, it is predicted to be benign by multiple in silico algorithms, and/or has population frequency not consistent with disease.

NM_000059.4(BRCA2):c.67+18A>G

Gene: BRCA2 (BRCA2 DNA repair associated; plus strand). Cytogenetic location: 13q13.1.
Variant type: single nucleotide variant.
Coding change: c.67+18A>G on transcript NM_000059.4 (MANE Select); 18 bases into the intron after coding-DNA position 67, A replaced by G.
Molecular consequence: intron variant.
Genome position (GRCh38, 1-based): chr13:32,316,545, A>G. VCF-style: chr13-32316545-A-G. GRCh37 (hg19) VCF-style: chr13-32890682-A-G.
Identifiers: ClinVar variation 391352 (VCV000391352.17), dbSNP rs1057524048, ClinGen allele CA16606764.